The following is an entry in ClinVar:

ClinVar aggregate classification (germline): Uncertain significance (1 of 4 stars; one submission).

Conditions:
Primary ciliary dyskinesia 3. Identifiers: Orphanet 244, MedGen C1837618, MONDO:0012085, OMIM 608644.

Submission:

Myriad Genetics, Inc.
Classification: Uncertain significance for Primary ciliary dyskinesia 3. Last evaluated: 2026-05-14. Review status: criteria provided, single submitter. Criteria: Myriad Autosomal Dominant, Autosomal Recessive and X-Linked Classification Criteria (2023). Collection method: clinical testing. Allele origin: unknown.
Comment: NM_001369.2(DNAH5):c.2250_2253delTAACinsGAAA(S750_N751delinsRK) is an in-frame indel classified as a variant of uncertain significance in the context of primary ciliary dyskinesia, DNAH5-related. S750_N751delinsRK has not been observed in cases with relevant disease. Relevant functional assessments of this variant are not available in the literature. S750_N751delinsRK has not been observed in referenced population frequency databases. In summary, there is insufficient evidence to classify NM_001369.2(DNAH5):c.2250_2253delTAACinsGAAA(S750_N751delinsRK) as pathogenic or benign. Please note: this variant was assessed in the context of healthy population screening.

NM_001369.3(DNAH5):c.2250_2253delinsGAAA (p.Ser750_Asn751delinsArgLys)

Genes: DNAH5 (dynein axonemal heavy chain 5; minus strand), DNAH5-AS1 (DNAH5 antisense RNA 1; plus strand). Cytogenetic location: 5p15.2.
Variant type: Indel.
Coding change: c.2250_2253delinsGAAA on transcript NM_001369.3 (MANE Select); coding-DNA positions 2250 to 2253, TAAC replaced by GAAA.
Protein change: p.Ser750_Asn751delinsArgLys.
Molecular consequence: missense variant. On other transcripts: non-coding transcript variant (1).
Genome position (GRCh38, 1-based): chr5:13,900,212-13,900,215, GTTA replaced by TTTC on the plus strand (TAAC replaced by GAAA on the coding strand, the reverse complement: DNAH5 is on the minus strand). VCF-style: chr5-13900212-GTTA-TTTC. GRCh37 (hg19) VCF-style: chr5-13900321-GTTA-TTTC.
Identifiers: ClinVar variation 5003793 (VCV005003793.1).
Genomic context (GRCh38, chr5:13,900,212, plus strand): 5'-ATAATACATTCCAGAGCTAGCCAAGAATGGGGGGAAAAAATAAAAGTAGTATACCTTCAT[GTTA>TTTC]CTGAAGTTCCTTTTGTATCTATCTCGTTTCTGGAAGAGGGAAGTTGCCAGTGGAGAGACT-3'